The following is an entry in ClinVar:

NM_016604.4(KDM3B):c.3167G>A (p.Cys1056Tyr)

Gene: KDM3B (lysine demethylase 3B; plus strand). Cytogenetic location: 5q31.2.
Variant type: single nucleotide variant.
Coding change: c.3167G>A on transcript NM_016604.4 (MANE Select); coding-DNA position 3167, G replaced by A.
Protein change: p.Cys1056Tyr; replaces cysteine 1056 with tyrosine.
Molecular consequence: missense variant.
Genome position (GRCh38, 1-based): chr5:138,399,980, G>A. VCF-style: chr5-138399980-G-A. GRCh37 (hg19) VCF-style: chr5-137735669-G-A.
Other names: short protein forms C1056Y.
Identifiers: ClinVar variation 4884919 (VCV004884919.2).

ClinVar aggregate classification (germline): Uncertain significance (1 of 4 stars; one submission).

Submission:

Dasa
Classification: Uncertain significance. Last evaluated: 2025-05-25. Review status: criteria provided, single submitter. Criteria: DASA Assertion Criteria. Collection method: clinical testing. Allele origin: germline.
Comment: NM_016604.4(KDM3B):c.3167G>A (p.Cys1056Tyr) is a missense variant that results in the substitution of cysteine with tyrosine. This variant is absent from population databases. Computational prediction algorithms are consistent with a deleterious effect. The currently available literature and clinical evidence are not sufficient to establish a definitive association between this variant and the reported condition. Therefore, this variant is classified as a variant of uncertain significance.